The following is an entry in ClinVar:

NM_001367624.2(ZNF469):c.4419T>G (p.Ser1473=)

Gene: ZNF469 (zinc finger protein 469; plus strand). Cytogenetic location: 16q24.2.
Variant type: single nucleotide variant.
Coding change: c.4419T>G on transcript NM_001367624.2 (MANE Select); coding-DNA position 4419, T replaced by G.
Protein change: p.Ser1473=; no amino-acid change (serine 1473 retained).
Molecular consequence: synonymous variant.
Genome position (GRCh38, 1-based): chr16:88,431,889, T>G. VCF-style: chr16-88431889-T-G. GRCh37 (hg19) VCF-style: chr16-88498297-T-G.
Other names: NM_001127464.1:c.4335T>G; p.Ser1473=.
Identifiers: ClinVar variation 285042 (VCV000285042.24), dbSNP rs12445417, ClinGen allele CA8224951.

ClinVar aggregate classification (germline): Benign/Likely benign. Review status: criteria provided, multiple submitters, no conflicts (2 of 4 stars). 11 submissions from 11 submitters: Benign (8); Likely benign (1). 2 of the submissions do not count toward it. Last evaluated 2026-02-04.

Conditions:
Brittle cornea syndrome 1 (BCS1). Also called: EDS6B; FRAGILITAS OCULI WITH JOINT HYPEREXTENSIBILITY; DYSGENESIS MESODERMALIS CORNEAE ET SCLERAE; CORNEAL FRAGILITY, KERATOGLOBUS, BLUE SCLERAE, JOINT HYPEREXTENSIBILITY; Corneal fragility keratoglobus, blue sclerae AND joint hypermobility. Identifiers: Orphanet 90354, MedGen C0268344, MONDO:0024543, OMIM 229200.
Cardiovascular phenotype. Identifiers: MedGen CN230736.

Allele frequency attached by ClinVar (database versions not stated): ESP Exome Variant Server 0.83968; 1000 Genomes Project 30x 0.83994; TOPMed 0.84090; 1000 Genomes Project 0.84645; gnomAD 0.85761; ExAC 0.92777; gnomAD exomes 0.96767.
gnomAD v4.1: 1,481,702 of 1,549,944 alleles (96%); highest among the groups gnomAD compares: South Asian, 99%; 715,051 homozygotes.

Submissions (11):

Labcorp Genetics (formerly Invitae), Labcorp
Classification: Benign. Last evaluated: 2026-02-04. Review status: criteria provided, single submitter. Criteria: Invitae Variant Classification Sherloc (09022015). Collection method: clinical testing. Allele origin: germline.

Women's Health and Genetics/Laboratory Corporation of America, LabCorp
Classification: Benign. Last evaluated: 2025-10-13. Review status: criteria provided, single submitter. Criteria: LabCorp Variant Classification Summary - May 2015. Collection method: clinical testing. Allele origin: germline.

Blueprint Genetics
Classification: Likely benign. Last evaluated: 2024-11-27. Review status: criteria provided, single submitter. Criteria: ACMG Guidelines, 2015. Collection method: clinical testing. Allele origin: germline.

Mayo Clinic Laboratories, Mayo Clinic
Classification: Benign. Last evaluated: 2022-04-26. Review status: criteria provided, single submitter. Criteria: ACMG Guidelines, 2015. Collection method: clinical testing. Allele origin: germline. Observed: 3,076 variant alleles.

Genome-Nilou Lab
Classification: Benign for Brittle cornea syndrome 1. Last evaluated: 2021-12-05. Review status: criteria provided, single submitter. Criteria: ACMG Guidelines, 2015. Collection method: clinical testing. Allele origin: germline. Affected: no.

Ambry Genetics
Classification: Benign for Cardiovascular phenotype. Last evaluated: 2018-12-04. Review status: criteria provided, single submitter. Criteria: Ambry Variant Classification Scheme 2023. Collection method: clinical testing. Allele origin: germline.

GeneDx
Classification: Benign. Last evaluated: 2016-09-29. Review status: criteria provided, single submitter. Criteria: GeneDx Variant Classification (06012015). Collection method: clinical testing. Allele origin: germline. Affected: yes.
Comment: This variant is considered likely benign or benign based on one or more of the following criteria: it is a conservative change, it occurs at a poorly conserved position in the protein, it is predicted to be benign by multiple in silico algorithms, and/or has population frequency not consistent with disease.

Eurofins Ntd Llc (ga)
Classification: Benign. Last evaluated: 2015-11-20. Review status: criteria provided, single submitter. Criteria: EGL Classification Definitions 2015. Collection method: clinical testing. Allele origin: germline. Observed: 3 variant alleles, 3 homozygotes.

Breakthrough Genomics
Classification: Benign. Review status: criteria provided, single submitter. Criteria: ACMG Guidelines, 2015. Collection method: not provided. Allele origin: germline. Inheritance: Autosomal recessive inheritance. Affected: yes.

Genome Diagnostics Laboratory, Amsterdam University Medical Center
Classification: Benign for Brittle cornea syndrome 1. Last evaluated: 2016-01-15. Review status: no assertion criteria provided. Criteria: ACGS Guidelines, 2013. Collection method: clinical testing. Allele origin: germline. Affected: yes. Study: VKGL Data-share Consensus. Not counted in ClinVar's aggregate classification.

Diagnostic Laboratory, Department of Genetics, University Medical Center Groningen
Classification: Benign for Brittle cornea syndrome 1. Review status: no assertion criteria provided. Collection method: clinical testing. Allele origin: germline. Affected: yes. Study: VKGL Data-share Consensus. Not counted in ClinVar's aggregate classification.